The following is an entry in ClinVar:

ClinVar aggregate classification (germline): Conflicting classifications of pathogenicity. Review status: criteria provided, conflicting classifications (1 of 4 stars). 4 submissions from 4 submitters: Uncertain significance (3); Likely benign (1). Last evaluated 2025-12-18.

Conditions:
Cardiovascular phenotype. Identifiers: MedGen CN230736.
Arrhythmogenic right ventricular cardiomyopathy (ARVD). Also called: Cardiomyopathy, ARVC; Arrhythmogenic right ventricular dysplasia; Arrhythmogenic cardiomyopathy; Arrhythmogenic Right Ventricular Cardiomyopathy (ARVC). Identifiers: Orphanet 247, MedGen C0349788, MeSH D019571, MONDO:0016587. Disease mechanism: loss of function. Inheritance: Various modes of inheritance.
Cardiomyopathy (CMYO). Also called: Cardiomyopathies. Identifiers: Orphanet 167848, MedGen C0878544, MONDO:0004994, HP:0001638. Inheritance: Various modes of inheritance.
Arrhythmogenic right ventricular dysplasia 9 (ARVD9). Also called: Arrhythmogenic Right Ventricular Dysplasia/Cardiomyopathy 9; ARRHYTHMOGENIC RIGHT VENTRICULAR DYSPLASIA, FAMILIAL, 9. Identifiers: MedGen C1836906, MONDO:0012180, OMIM 609040.

Submissions (4):

Color Diagnostics, LLC DBA Color Health
Classification: Uncertain significance for Cardiomyopathy. Last evaluated: 2025-12-18. Review status: criteria provided, single submitter. Criteria: ACMG Guidelines, 2015. Collection method: clinical testing. Allele origin: germline.
Comment: This missense variant replaces arginine with lysine at codon 316 of the PKP2 protein. Computational prediction suggests that this variant may not impact protein structure and function. To our knowledge, functional studies have not been reported for this variant. This variant has been reported in an individual affected with atrioventricular conduction disease (PMID: 36352534). This variant has not been identified in the general population by the Genome Aggregation Database (gnomAD). The available evidence is insufficient to determine the role of this variant in disease conclusively. Therefore, this variant is classified as a Variant of Uncertain Significance.

Ambry Genetics
Classification: Likely benign for Cardiovascular phenotype. Last evaluated: 2025-08-08. Review status: criteria provided, single submitter. Criteria: Ambry Variant Classification Scheme 2023. Collection method: clinical testing. Allele origin: germline.

All of Us Research Program, National Institutes of Health
Classification: Uncertain significance for Arrhythmogenic right ventricular cardiomyopathy. Last evaluated: 2023-12-13. Review status: criteria provided, single submitter. Criteria: ACMG Guidelines, 2015. Collection method: clinical testing. Allele origin: germline. Inheritance: Autosomal dominant inheritance. Observed: 1 variant allele, 1 heterozygote.
Comment: This missense variant replaces arginine with lysine at codon 316 of the PKP2 protein. Computational prediction suggests that this variant may not impact protein structure and function (internally defined REVEL score threshold <= 0.5, PMID: 27666373). To our knowledge, functional studies have not been reported for this variant. This variant has been reported in an individual affected with atrioventricular conduction disease (PMID: 36352534). This variant has not been identified in the general population by the Genome Aggregation Database (gnomAD). The available evidence is insufficient to determine the role of this variant in disease conclusively. Therefore, this variant is classified as a Variant of Uncertain Significance.

This study involves interpretation of variants in research participants for the purpose of population health screening. Participant phenotype was not available at the time of variant classification. Additional details can be found in publication PMID: 35346344, PMCID: PMC8962531

Labcorp Genetics (formerly Invitae), Labcorp
Classification: Uncertain significance for Arrhythmogenic right ventricular dysplasia 9. Last evaluated: 2023-07-28. Review status: criteria provided, single submitter. Criteria: Invitae Variant Classification Sherloc (09022015). Collection method: clinical testing. Allele origin: germline.
Comment: This variant is not present in population databases (gnomAD no frequency). This sequence change replaces arginine, which is basic and polar, with lysine, which is basic and polar, at codon 316 of the PKP2 protein (p.Arg316Lys). This variant has not been reported in the literature in individuals affected with PKP2-related conditions. Algorithms developed to predict the effect of missense changes on protein structure and function output the following: SIFT: "Not Available"; PolyPhen-2: "Benign"; Align-GVGD: "Not Available". The lysine amino acid residue is found in multiple mammalian species, which suggests that this missense change does not adversely affect protein function. ClinVar contains an entry for this variant (Variation ID: 1037968). In summary, the available evidence is currently insufficient to determine the role of this variant in disease. Therefore, it has been classified as a Variant of Uncertain Significance.

Literature cited by the submitters: PubMed 36352534 (cited by Color Diagnostics, LLC DBA Color Health and All of Us Research Program, National Institutes of Health).

NM_001005242.3(PKP2):c.947G>A (p.Arg316Lys)

Gene: PKP2 (plakophilin 2; minus strand). Cytogenetic location: 12p11.21.
Variant type: single nucleotide variant.
Coding change: c.947G>A on transcript NM_001005242.3 (MANE Select); coding-DNA position 947, G replaced by A.
Protein change: p.Arg316Lys; replaces arginine 316 with lysine.
Molecular consequence: missense variant.
Genome position (GRCh38, 1-based): chr12:32,877,933, C>T on the plus strand (G>A on the coding strand, the complement: PKP2 is on the minus strand). VCF-style: chr12-32877933-C-T. GRCh37 (hg19) VCF-style: chr12-33030867-C-T.
Other names: c.947G>A, p.Arg316Lys (NM_004572.4); c.947G>A (NM_004572.3); short protein forms R316K.
Identifiers: ClinVar variation 1037968 (VCV001037968.10), dbSNP rs1956947177, ClinGen allele CA384361973.